The following is an entry in ClinVar:

ClinVar aggregate classification (germline): Likely pathogenic (1 of 4 stars; one submission).

Conditions:
Propionic acidemia (PROP). Also called: GLYCINEMIA, KETOTIC; HYPERGLYCINEMIA WITH KETOACIDOSIS AND LEUKOPENIA; KETOTIC HYPERGLYCINEMIA. Identifiers: Orphanet 35, MedGen C0268579, MONDO:0011628, OMIM 606054, HP:0003571.

Submission:

Myriad Genetics, Inc.
Classification: Likely pathogenic for Propionic acidemia. Last evaluated: 2021-12-16. Review status: criteria provided, single submitter. Criteria: Myriad Women's Health Autosomal Recessive and X-Linked Classification Criteria (2021). Collection method: clinical testing. Allele origin: unknown.
Comment: NM_000282.3(PCCA):c.786delA(K262Nfs*9) is expected to be pathogenic in the context of PCCA-related propionic acidemia. This variant is predicted to lead to an abnormal or absent protein product due to the creation of a premature termination codon in PCCA, a gene where loss-of-function variants are known to be pathogenic. Please note: this variant was assessed in the context of healthy population screening.

NM_000282.4(PCCA):c.786del (p.Lys262fs)

Gene: PCCA (propionyl-CoA carboxylase subunit alpha; plus strand). Cytogenetic location: 13q32.3.
Variant type: Deletion.
Coding change: c.786del on transcript NM_000282.4 (MANE Select); coding-DNA position 786, one base deleted (A; older notation c.786delA).
Protein change: p.Lys262fs; shifts the reading frame from lysine 262.
Molecular consequence: frameshift variant. On other transcripts: 5 prime UTR variant (3), non-coding transcript variant (5).
Genome position (GRCh38, 1-based): chr13:100,262,798, A deleted; the last of 5 consecutive A bases (chr13:100,262,794-100,262,798); deleting any one gives the same sequence. VCF-style (leftmost placement, unchanged base first): chr13-100262793-GA-G. GRCh37 (hg19) VCF-style: chr13-100915047-GA-G.
Other names: c.708del, p.Lys236fs (NM_001127692.3, NM_001352607.2, NM_001352608.2); c.786del, p.Lys262fs (NM_001178004.2, NM_001352605.2, NM_001352606.2 and 1 more transcripts); c.-160del (NM_001352610.2, NM_001352611.2, NM_001352612.2); short protein forms K236fs, K262fs.
Identifiers: ClinVar variation 1726309 (VCV001726309.2), dbSNP rs2547923716, ClinGen allele CA2580087044.